The following is an entry in ClinVar:

ClinVar aggregate classification (germline): Uncertain significance (1 of 4 stars; one submission).

Conditions:
Hereditary cancer-predisposing syndrome. Also called: Tumor predisposition; Hereditary neoplastic syndrome; Neoplastic Syndromes, Hereditary; Hereditary Cancer Syndrome. Identifiers: Orphanet 140162, MedGen C0027672, MeSH D009386, MONDO:0015356.

Submission:

Ambry Genetics
Classification: Uncertain significance for Hereditary cancer-predisposing syndrome. Last evaluated: 2025-04-09. Review status: criteria provided, single submitter. Criteria: Ambry Variant Classification Scheme 2023. Collection method: clinical testing. Allele origin: germline.
Comment: The p.S50T variant (also known as c.148T>A), located in coding exon 2 of the EPCAM gene, results from a T to A substitution at nucleotide position 148. The serine at codon 50 is replaced by threonine, an amino acid with similar properties. This amino acid position is conserved. In addition, this alteration is predicted to be tolerated by in silico analysis. Based on the available evidence, the clinical significance of this variant remains unclear.

NM_002354.3(EPCAM):c.148T>A (p.Ser50Thr)

Gene: EPCAM (epithelial cell adhesion molecule; plus strand). Cytogenetic location: 2p21.
Variant type: single nucleotide variant.
Coding change: c.148T>A on transcript NM_002354.3 (MANE Select); coding-DNA position 148, T replaced by A.
Protein change: p.Ser50Thr; replaces serine 50 with threonine.
Molecular consequence: missense variant.
Genome position (GRCh38, 1-based): chr2:47,373,534, T>A. VCF-style: chr2-47373534-T-A. GRCh37 (hg19) VCF-style: chr2-47600673-T-A.
Other names: short protein forms S50T.
Identifiers: ClinVar variation 4018551 (VCV004018551.1).
Genomic context (GRCh38, chr2:47,373,534, plus strand): 5'-GAAAACTACAAGCTGGCCGTAAACTGCTTTGTGAATAATAATCGTCAATGCCAGTGTACT[T>A]CAGTTGGTGCACAAAATACTGTCATTTGCTCAAAGCGTGAGTAAAATATCCTAATTACCT-3'
Protein context (NP_002345.2, residues 40-60): VNNNRQCQCT[Ser50Thr]VGAQNTVICS